The following is an entry in ClinVar:

ClinVar aggregate classification (germline): not provided (0 of 4 stars; one submission).

Conditions:
Familial long QT syndrome (RWS). Also called: Congenital long QT syndrome; Romano-Ward syndrome; VENTRICULAR FIBRILLATION WITH PROLONGED QT INTERVAL. Identifiers: Orphanet 768, MedGen C1141890, MONDO:0019171.

Submission:

Cardiovascular Biomedical Research Unit, Royal Brompton & Harefield NHS Foundation Trust
No classification provided. Condition: Familial long QT syndrome. Review status: no classification provided. Collection method: literature only. Allele origin: germline.
Comment: This variant has been reported as associated with Long QT syndrome in the following publications (PMID:9693036;PMID:11854117;PMID:15840476;PMID:16432067;PMID:16842670). This is a literature report, and does not necessarily reflect the clinical interpretation of the Imperial College / Royal Brompton Cardiovascular Genetics laboratory.

Literature cited by the submitters: PubMed 9693036; PubMed 11854117; PubMed 15840476; PubMed 16432067; PubMed 16842670; PubMed 22581653.

NM_000238.4(KCNH2):c.1889T>C (p.Val630Ala)

Gene: KCNH2 (potassium voltage-gated channel subfamily H member 2; minus strand). Cytogenetic location: 7q36.1.
Variant type: single nucleotide variant.
Coding change: c.1889T>C on transcript NM_000238.4 (MANE Select); coding-DNA position 1889, T replaced by C.
Protein change: p.Val630Ala; replaces valine 630 with alanine.
Molecular consequence: missense variant.
Genome position (GRCh38, 1-based): chr7:150,951,504, A>G on the plus strand (T>C on the coding strand, the complement: KCNH2 is on the minus strand). VCF-style: chr7-150951504-A-G. GRCh37 (hg19) VCF-style: chr7-150648592-A-G.
Other names: c.1889T>C (LRG_288t1); c.869T>C, p.Val290Ala (NM_001204798.2, NM_172057.3); c.1601T>C, p.Val534Ala (NM_001406753.1, NM_001406756.1); c.1712T>C, p.Val571Ala (NM_001406755.1); c.1589T>C, p.Val530Ala (NM_001406757.1); c.1889T>C, p.Val630Ala (NM_172056.3); short protein forms V290A, V630A, V530A, V534A, V571A.
Identifiers: ClinVar variation 67319 (VCV000067319.3), dbSNP rs199473526, ClinGen allele CA005876.